The following is an entry in ClinVar:

ClinVar aggregate classification (germline): Uncertain significance (1 of 4 stars; one submission).

Conditions:
Developmental and epileptic encephalopathy, 34 (DEE34). Also called: SLC12A5-Related Epilepsy of Infancy with Migrating Focal Seizures; Early infantile epileptic encephalopathy 34. Identifiers: Orphanet 293181, MedGen C4225257, MONDO:0014718, OMIM 616645.

Allele frequency attached by ClinVar (database versions not stated): gnomAD exomes 0.00001 and 0.00002; ExAC 0.00002; TOPMed 0.00003; gnomAD 0.00004; ESP Exome Variant Server 0.00008.
gnomAD v4.1: 27 of 1,614,036 alleles (0.0017%); highest among the groups gnomAD compares: Non-Finnish European, 0.00017%; no homozygotes.

Submission:

Labcorp Genetics (formerly Invitae), Labcorp
Classification: Uncertain significance for Developmental and epileptic encephalopathy, 34. Last evaluated: 2021-10-06. Review status: criteria provided, single submitter. Criteria: Invitae Variant Classification Sherloc (09022015). Collection method: clinical testing. Allele origin: germline.
Comment: In summary, the available evidence is currently insufficient to determine the role of this variant in disease. Therefore, it has been classified as a Variant of Uncertain Significance. Advanced modeling of protein sequence and biophysical properties (such as structural, functional, and spatial information, amino acid conservation, physicochemical variation, residue mobility, and thermodynamic stability) performed at Invitae indicates that this missense variant is not expected to disrupt SLC12A5 protein function. This variant has not been reported in the literature in individuals affected with SLC12A5-related conditions. This variant is present in population databases (rs146580614, ExAC 0.005%). This sequence change replaces proline with alanine at codon 1023 of the SLC12A5 protein (p.Pro1023Ala). The proline residue is moderately conserved and there is a small physicochemical difference between proline and alanine.

NM_020708.5(SLC12A5):c.3067C>G (p.Pro1023Ala)

Gene: SLC12A5 (solute carrier family 12 member 5; plus strand). Cytogenetic location: 20q13.12.
Variant type: single nucleotide variant.
Coding change: c.3067C>G on transcript NM_020708.5 (MANE Select); coding-DNA position 3067, C replaced by G.
Protein change: p.Pro1023Ala; replaces proline 1023 with alanine.
Molecular consequence: missense variant.
Genome position (GRCh38, 1-based): chr20:46,056,521, C>G. VCF-style: chr20-46056521-C-G. GRCh37 (hg19) VCF-style: chr20-44685160-C-G.
Other names: c.3136C>G, p.Pro1046Ala (NM_001134771.2); short protein forms P1046A, P1023A.
Identifiers: ClinVar variation 1524383 (VCV001524383.6), dbSNP rs146580614, ClinGen allele CA9887773.